The following is an entry in ClinVar:

NM_021023.6(CFHR3):c.101T>G (p.Phe34Cys)

Gene: CFHR3 (complement factor H related 3; plus strand). Cytogenetic location: 1q31.3.
Variant type: single nucleotide variant.
Coding change: c.101T>G on transcript NM_021023.6 (MANE Select); coding-DNA position 101, T replaced by G.
Protein change: p.Phe34Cys; replaces phenylalanine 34 with cysteine.
Molecular consequence: missense variant.
Genome position (GRCh38, 1-based): chr1:196,779,204, T>G. VCF-style: chr1-196779204-T-G. GRCh37 (hg19) VCF-style: chr1-196748334-T-G.
Other names: p.Phe34Cys; c.101T>G, p.Phe34Cys (NM_001166624.2); short protein forms F34C.
Identifiers: ClinVar variation 730391 (VCV000730391.9), dbSNP rs61737523, ClinGen allele CA1306061.
Genomic context (GRCh38, chr1:196,779,204, plus strand): 5'-TTTGTTTTTTATTGCAAGTGAAACCTTGTGATTTTCCAGACATTAAACATGGAGGTCTAT[T>G]TCATGAGAATATGCGTAGACCATACTTTCCAGTAGCTGTAGGAAAATATTACTCCTATTA-3'
Protein context (NP_066303.2, residues 24-44): DFPDIKHGGL[Phe34Cys]HENMRRPYFP

ClinVar aggregate classification (germline): Benign/Likely benign. Review status: criteria provided, multiple submitters, no conflicts (2 of 4 stars). 5 submissions from 5 submitters: Benign (3); Likely benign (2). Last evaluated 2023-12-04.

Conditions:
Kidney disorder. Also called: renal disorder; renal disease; Nephropathy; Kidney disease; Kidney Diseases. Identifiers: MedGen C0022658, MONDO:0005240, HP:0000112.
Age related macular degeneration 1 (ARMD1). Also called: MACULOPATHY, AGE-RELATED, 1. Identifiers: MedGen C1864205, MONDO:0011285, OMIM 603075.
Hemolytic uremic syndrome, atypical, susceptibility to, 1. Also called: AHUS, SUSCEPTIBILITY TO, 1. Identifiers: Orphanet 2134, Orphanet 90038, MedGen C2749604, MONDO:0009335, OMIM 235400. Disease mechanism: Other.

Allele frequency attached by ClinVar (database versions not stated): 1000 Genomes Project 30x 0.01421; 1000 Genomes Project 0.01018; gnomAD exomes 0.00078; gnomAD 0.00809; ESP Exome Variant Server 0.01170.
gnomAD v4.1: 2,279 of 1,530,158 alleles (0.15%); highest among the groups gnomAD compares: African/African-American, 3.3%; 616 homozygotes.

Submissions (5):

Mayo Clinic Laboratories, Mayo Clinic
Classification: Benign. Last evaluated: 2023-12-04. Review status: criteria provided, single submitter. Criteria: ACMG Guidelines, 2015. Collection method: clinical testing. Allele origin: germline. Observed: 45 variant alleles.
Comment: BS1, BS2, BP4

Fulgent Genetics
Classification: Likely benign for Hemolytic uremic syndrome, atypical, susceptibility to, 1; Age related macular degeneration 1. Last evaluated: 2021-10-27. Review status: criteria provided, single submitter. Criteria: ACMG Guidelines, 2015. Collection method: clinical testing. Allele origin: unknown.

Labcorp Genetics (formerly Invitae), Labcorp
Classification: Benign. Last evaluated: 2019-12-31. Review status: criteria provided, single submitter. Criteria: Invitae Variant Classification Sherloc (09022015). Collection method: clinical testing. Allele origin: germline.

Genome Diagnostics Laboratory, The Hospital for Sick Children
Classification: Likely benign for Kidney disorder. Last evaluated: 2018-05-01. Review status: criteria provided, single submitter. Criteria: ACMG Guidelines, 2015. Collection method: clinical testing. Allele origin: germline.

Breakthrough Genomics
Classification: Benign. Review status: criteria provided, single submitter. Criteria: ACMG Guidelines, 2015. Collection method: not provided. Allele origin: germline. Inheritance: Autosomal recessive inheritance. Affected: yes.